The following is an entry in ClinVar:

ClinVar aggregate classification (germline): Uncertain significance (1 of 4 stars; one submission).

Conditions:
Sphingolipid activator protein 1 deficiency. Also called: METACHROMATIC LEUKODYSTROPHY DUE TO CEREBROSIDE SULFATASE ACTIVATOR DEFICIENCY; Saposin B Deficiency; Metachromatic leukodystrophy due to saposin B deficiency. Identifiers: Orphanet 512, MedGen C0268262, MONDO:0009590, OMIM 249900.

Submission:

Labcorp Genetics (formerly Invitae), Labcorp
Classification: Uncertain significance for Sphingolipid activator protein 1 deficiency. Last evaluated: 2022-08-22. Review status: criteria provided, single submitter. Criteria: Invitae Variant Classification Sherloc (09022015). Collection method: clinical testing. Allele origin: germline.
Comment: This sequence change replaces alanine, which is neutral and non-polar, with glycine, which is neutral and non-polar, at codon 252 of the PSAP protein (p.Ala252Gly). This variant is not present in population databases (gnomAD no frequency). This variant has not been reported in the literature in individuals affected with PSAP-related conditions. Algorithms developed to predict the effect of missense changes on protein structure and function are either unavailable or do not agree on the potential impact of this missense change (SIFT: "Not Available"; PolyPhen-2: "Probably Damaging"; Align-GVGD: "Not Available"). In summary, the available evidence is currently insufficient to determine the role of this variant in disease. Therefore, it has been classified as a Variant of Uncertain Significance.

NM_002778.4(PSAP):c.755C>G (p.Ala252Gly)

Gene: PSAP (prosaposin; minus strand). Cytogenetic location: 10q22.1.
Variant type: single nucleotide variant.
Coding change: c.755C>G on transcript NM_002778.4 (MANE Select); coding-DNA position 755, C replaced by G.
Protein change: p.Ala252Gly; replaces alanine 252 with glycine.
Molecular consequence: missense variant.
Genome position (GRCh38, 1-based): chr10:71,825,859, G>C on the plus strand (C>G on the coding strand, the complement: PSAP is on the minus strand). VCF-style: chr10-71825859-G-C. GRCh37 (hg19) VCF-style: chr10-73585616-G-C.
Other names: c.755C>G, p.Ala252Gly (NM_001042465.3, NM_001042466.3); short protein forms A252G.
Identifiers: ClinVar variation 1973230 (VCV001973230.5), dbSNP rs2494516708, ClinGen allele CA377149226.
Genomic context (GRCh38, chr10:71,825,859, plus strand): 5'-AAAGAAAAATGCTAACAAGGGGCCTCCGTGCCACCTACCATGTGCATCATCATCTGGATA[G>C]CAATTTCAGAATACTGGCTGATATAGTTCTTGCACTGAGGAGAGAGAAACAGATTGCTAA-3'
Protein context (NP_002769.1, residues 242-262): KNYISQYSEI[Ala252Gly]IQMMMHMQPK